The following is an entry in ClinVar:

ClinVar aggregate classification (germline): Uncertain significance (1 of 4 stars; one submission).

Conditions:
Alstrom syndrome (ALMS). Identifiers: Orphanet 64, MedGen C0268425, MONDO:0008763, OMIM 203800.

Allele frequency attached by ClinVar (database versions not stated): gnomAD 0.00001; TOPMed 0.00001.
gnomAD v4.1: 2 of 1,613,278 alleles (0.00012%); highest among the groups gnomAD compares: African/African-American, 0.0027%; no homozygotes.

Submission:

Labcorp Genetics (formerly Invitae), Labcorp
Classification: Uncertain significance for Alstrom syndrome. Last evaluated: 2022-05-15. Review status: criteria provided, single submitter. Criteria: Invitae Variant Classification Sherloc (09022015). Collection method: clinical testing. Allele origin: germline.
Comment: This sequence change replaces alanine, which is neutral and non-polar, with serine, which is neutral and polar, at codon 2077 of the ALMS1 protein (p.Ala2077Ser). This variant is present in population databases (no rsID available, gnomAD 0.01%). This variant has not been reported in the literature in individuals affected with ALMS1-related conditions. Experimental studies and prediction algorithms are not available or were not evaluated, and the functional significance of this variant is currently unknown. In summary, the available evidence is currently insufficient to determine the role of this variant in disease. Therefore, it has been classified as a Variant of Uncertain Significance.

NM_001378454.1(ALMS1):c.6226G>T (p.Ala2076Ser)

Gene: ALMS1 (ALMS1 centrosome and basal body associated protein; plus strand). Cytogenetic location: 2p13.1.
Variant type: single nucleotide variant.
Coding change: c.6226G>T on transcript NM_001378454.1 (MANE Select); coding-DNA position 6226, G replaced by T.
Protein change: p.Ala2076Ser; replaces alanine 2076 with serine.
Molecular consequence: missense variant.
Genome position (GRCh38, 1-based): chr2:73,452,753, G>T. VCF-style: chr2-73452753-G-T. GRCh37 (hg19) VCF-style: chr2-73679880-G-T.
Other names: c.6229G>T, p.Ala2077Ser (NM_015120.4); short protein forms A2076S, A2077S.
Identifiers: ClinVar variation 1985094 (VCV001985094.1), dbSNP rs931662076, ClinGen allele CA347285355.